The following is an entry in ClinVar:

ClinVar aggregate classification (germline): Uncertain significance (1 of 4 stars; one submission).

Conditions:
Arrhythmogenic cardiomyopathy with wooly hair and keratoderma. Also called: PALMOPLANTAR KERATODERMA WITH LEFT VENTRICULAR CARDIOMYOPATHY AND WOOLLY HAIR; Carvajal syndrome; Dilated cardiomyopathy with woolly hair and keratoderma; Arrhythmogenic cardiomyopathy with woolly hair and keratoderma. Identifiers: Orphanet 65282, MedGen C1854063, MONDO:0011581, OMIM 605676.

Allele frequency attached by ClinVar (database versions not stated): gnomAD exomes below 0.00001; TOPMed below 0.00001; gnomAD 0.00001.
gnomAD v4.1: 5 of 1,613,858 alleles (0.00031%); highest among the groups gnomAD compares: Non-Finnish European, 0.00034%; no homozygotes.

Submission:

All of Us Research Program, National Institutes of Health
Classification: Uncertain significance for Arrhythmogenic cardiomyopathy with wooly hair and keratoderma. Last evaluated: 2024-05-30. Review status: criteria provided, single submitter. Criteria: ACMG Guidelines, 2015. Collection method: clinical testing. Allele origin: germline. Inheritance: Autosomal dominant inheritance. Observed: 2 variant alleles, 2 heterozygotes.
Comment: This missense variant replaces leucine with proline at codon 1500 of the DSP protein. Computational prediction suggests that this variant may not impact protein structure and function (internally defined REVEL score threshold <= 0.5, PMID: 27666373). To our knowledge, functional studies have not been reported for this variant. This variant has not been reported in individuals affected with DSP-related disorders in the literature. This variant has not been identified in the general population by the Genome Aggregation Database (gnomAD). The available evidence is insufficient to determine the role of this variant in disease conclusively. Therefore, this variant is classified as a Variant of Uncertain Significance.

This study involves interpretation of variants in research participants for the purpose of population health screening. Participant phenotype was not available at the time of variant classification. Additional details can be found in publication PMID: 35346344, PMCID: PMC8962531

NM_004415.4(DSP):c.4499T>C (p.Leu1500Pro)

Gene: DSP (desmoplakin; plus strand). Cytogenetic location: 6p24.3.
Variant type: single nucleotide variant.
Coding change: c.4499T>C on transcript NM_004415.4 (MANE Select); coding-DNA position 4499, T replaced by C.
Protein change: p.Leu1500Pro; replaces leucine 1500 with proline.
Molecular consequence: missense variant. On other transcripts: intron variant (2).
Genome position (GRCh38, 1-based): chr6:7,580,689, T>C. VCF-style: chr6-7580689-T-C. GRCh37 (hg19) VCF-style: chr6-7580922-T-C.
Other names: c.4050+449T>C (NM_001319034.2); c.3582+917T>C (NM_001008844.3); short protein forms L1500P.
Identifiers: ClinVar variation 3071784 (VCV003071784.2), dbSNP rs1759403724, ClinGen allele CA362686444.
Genomic context (GRCh38, chr6:7,580,689, plus strand): 5'-ACAAGGAGATAGAAAGGTTAAAACAACTGATCGACAAAGAAACAAATGACCGGAAATGCC[T>C]GGAAGATGAAAACGCGAGATTACAAAGGGTCCAGTATGACCTGCAGAAAGCAAACAGTAG-3'
Protein context (NP_004406.2, residues 1490-1510): IDKETNDRKC[Leu1500Pro]EDENARLQRV